The following is an entry in ClinVar:

ClinVar aggregate classification (germline): Uncertain significance (1 of 4 stars; one submission).

Allele frequency attached by ClinVar (database versions not stated): ExAC 0.00001; gnomAD 0.00001; gnomAD exomes 0.00001; TOPMed 0.00001.
gnomAD v4.1: 22 of 1,613,816 alleles (0.0014%); highest among the groups gnomAD compares: Middle Eastern, 0.049%; no homozygotes.

Submission:

GeneDx
Classification: Uncertain significance. Last evaluated: 2017-01-06. Review status: criteria provided, single submitter. Criteria: GeneDx Variant Classification (06012015). Collection method: clinical testing. Allele origin: germline. Affected: yes.
Comment: The L1678V variant in the MPDZ gene has not been reported previously as a pathogenic variant, nor as a benign variant, to our knowledge. The L1678V variant was not observed in approximately 6,000 individuals of European and African American ancestry in the NHLBI Exome Sequencing Project, indicating it is not a common benign variant in these populations. The L1678V variant is a conservative amino acid substitution, which is not likely to impact secondary protein structure as these residues share similar properties. This substitution occurs at a position that is conserved across species. In silico analysis predicts this variant is probably damaging to the protein structure/function. We interpret L1678V as a variant of uncertain significance.

NM_001378778.1(MPDZ):c.5032T>G (p.Leu1678Val)

Gene: MPDZ (multiple PDZ domain crumbs cell polarity complex component; minus strand). Cytogenetic location: 9p23.
Variant type: single nucleotide variant.
Coding change: c.5032T>G on transcript NM_001378778.1 (MANE Select); coding-DNA position 5032, T replaced by G.
Protein change: p.Leu1678Val; replaces leucine 1678 with valine.
Molecular consequence: missense variant.
Genome position (GRCh38, 1-based): chr9:13,122,092, A>C on the plus strand (T>G on the coding strand, the complement: MPDZ is on the minus strand). VCF-style: chr9-13122092-A-C. GRCh37 (hg19) VCF-style: chr9-13122091-A-C.
Other names: c.4933T>G, p.Leu1645Val (NM_001261406.2, NM_001261407.2, NM_001375416.1 and 3 more transcripts); c.5032T>G, p.Leu1678Val (NM_001330637.2, NM_003829.5); c.5131T>G, p.Leu1711Val (NM_001375413.1); c.4822T>G, p.Leu1608Val (NM_001375420.1, NM_001375421.1, NM_001375422.1 and 4 more transcripts); c.4624T>G, p.Leu1542Val (NM_001375427.1); short protein forms L1678V, L1645V, L1542V, L1608V, L1711V.
Identifiers: ClinVar variation 392243 (VCV000392243.2), dbSNP rs763372118, ClinGen allele CA4986480.
Genomic context (GRCh38, chr9:13,122,092, plus strand): 5'-CCCCCAGGAGCCTTTTCTCTGTTAATTTTGAAGGTCAAAAACAGGCATTCTATACCTCTA[A>C]GATCTGATCTCCAGCCCAGAGTCTTCCATCTTTACATGCTGCTCCTTCTTCATAAACTTC-3'
Protein context (NP_001365707.1, residues 1668-1688): DGRLWAGDQI[Leu1678Val]EVNGIDLRKA